The following is an entry in ClinVar:

ClinVar aggregate classification (germline): Uncertain significance (1 of 4 stars; one submission).

gnomAD v4.1: 1 of 1,542,798 alleles (0.000065%); highest among the groups gnomAD compares: African/African-American, 0.0014%; no homozygotes.

Submission:

Women's Health and Genetics/Laboratory Corporation of America, LabCorp
Classification: Uncertain significance. Last evaluated: 2024-11-19. Review status: criteria provided, single submitter. Criteria: LabCorp Variant Classification Summary - May 2015. Collection method: clinical testing. Allele origin: germline.
Comment: Variant summary: CAMK2B c.959C>T (p.Thr320Ile) results in a non-conservative amino acid change in the encoded protein sequence. Three of five in-silico tools predict a benign effect of the variant on protein function. The frequency data for this variant in gnomAD is considered unreliable, as metrics indicate poor data quality at this position. To our knowledge, no occurrence of c.959C>T in individuals affected with Intellectual Disability, Autosomal Dominant 54 and no experimental evidence demonstrating its impact on protein function have been reported. No submitters have cited clinical-significance assessments for this variant to ClinVar. Based on the evidence outlined above, the variant was classified as uncertain significance.

NM_001220.5(CAMK2B):c.959C>T (p.Thr320Ile)

Gene: CAMK2B (calcium/calmodulin dependent protein kinase II beta; minus strand). Cytogenetic location: 7p13.
Variant type: single nucleotide variant.
Coding change: c.959C>T on transcript NM_001220.5 (MANE Select); coding-DNA position 959, C replaced by T.
Protein change: p.Thr320Ile; replaces threonine 320 with isoleucine.
Molecular consequence: missense variant. On other transcripts: intron variant (5).
Genome position (GRCh38, 1-based): chr7:44,239,651, G>A on the plus strand (C>T on the coding strand, the complement: CAMK2B is on the minus strand). VCF-style: chr7-44239651-G-A. GRCh37 (hg19) VCF-style: chr7-44279250-G-A.
Other names: c.959C>T, p.Thr320Ile (NM_001293170.2, NM_172078.3, NM_172082.3); c.946+1056C>T (NM_172084.3, NM_172080.3, NM_172083.3 and 2 more transcripts); short protein forms T320I.
Identifiers: ClinVar variation 3629982 (VCV003629982.1).